The following is an entry in ClinVar:

NM_000138.5(FBN1):c.752A>C (p.Gln251Pro)

Gene: FBN1 (fibrillin 1; minus strand). Cytogenetic location: 15q21.1.
Variant type: single nucleotide variant.
Coding change: c.752A>C on transcript NM_000138.5 (MANE Select); coding-DNA position 752, A replaced by C.
Protein change: p.Gln251Pro; replaces glutamine 251 with proline.
Molecular consequence: missense variant.
Genome position (GRCh38, 1-based): chr15:48,534,190, T>G on the plus strand (A>C on the coding strand, the complement: FBN1 is on the minus strand). VCF-style: chr15-48534190-T-G. GRCh37 (hg19) VCF-style: chr15-48826387-T-G.
Other names: c.752A>C, p.Gln251Pro (NM_001406716.1, NM_001406717.1); short protein forms Q251P.
Identifiers: ClinVar variation 4825424 (VCV004825424.1).

ClinVar aggregate classification (germline): Uncertain significance (1 of 4 stars; one submission).

Conditions:
Familial thoracic aortic aneurysm and aortic dissection (TAAD). Also called: Thoracic aortic aneurysms and dissections. Identifiers: Orphanet 91387, MedGen C4707243, MONDO:0019625.

gnomAD v4.1: 1 of 1,612,874 alleles (0.000062%); highest among the groups gnomAD compares: African/African-American, 0.0013%; no homozygotes.

Submission:

Ambry Genetics
Classification: Uncertain significance for Familial thoracic aortic aneurysm and aortic dissection. Last evaluated: 2026-02-19. Review status: criteria provided, single submitter. Criteria: Ambry Variant Classification Scheme 2023. Collection method: clinical testing. Allele origin: germline.
Comment: The p.Q251P variant (also known as c.752A>C), located in coding exon 7 of the FBN1 gene, results from an A to C substitution at nucleotide position 752. The glutamine at codon 251 is replaced by proline, an amino acid with similar properties. This amino acid position is conserved. In addition, the in silico prediction for this alteration is inconclusive. Based on the available evidence, the clinical significance of this variant remains unclear.